The following is an entry in ClinVar:

NM_130384.3(ATRIP):c.544_546del (p.Ser182del)

Genes: ATRIP (ATR interacting protein; plus strand), ATRIP-TREX1 (ATRIP-TREX1 readthrough; plus strand). Cytogenetic location: 3p21.31.
Variant type: Deletion.
Coding change: c.544_546del on transcript NM_130384.3 (MANE Select); coding-DNA positions 544 to 546, 3 bases deleted (TCC; older notation c.544_546delTCC).
Protein change: p.Ser182del; deletes serine 182.
Molecular consequence: non-coding transcript variant (on NR_153405.1).
Genome position (GRCh38, 1-based): chr3:48,451,891-48,451,893, TCC deleted; deleting any 3 consecutive bases within chr3:48,451,890-48,451,893 gives the same sequence; the c. name uses the placement nearest the transcript's 3' end. VCF-style (leftmost placement, unchanged base first): chr3-48451889-TCTC-T. GRCh37 (hg19) VCF-style: chr3-48493295-TCTC-T.
Other names: c.163_165del, p.Ser55del (NM_001271022.2); c.265_267del, p.Ser89del (NM_001271023.2); c.544_546del, p.Ser182del (NM_032166.4); short protein forms S55del, S182del, S89del.
Identifiers: ClinVar variation 4844941 (VCV004844941.1).

ClinVar aggregate classification (germline): Uncertain significance (1 of 4 stars; one submission).

Submission:

Ambry Genetics
Classification: Uncertain significance. Last evaluated: 2026-02-24. Review status: criteria provided, single submitter. Criteria: Ambry Variant Classification Scheme 2023. Collection method: clinical testing. Allele origin: germline.
Comment: The c.544_546delTCC variant (also known as p.S182del) is located in coding exon 3 of the ATRIP gene. This variant results from an in-frame TCC deletion at nucleotide positions 544 to 546. This results in the in-frame deletion of a serine at codon 182. This amino acid region is highly conserved in available vertebrate species. The evidence for this gene-disease relationship is limited; therefore, the clinical significance of this variant is unclear.